The following is an entry in ClinVar:

NM_002519.3(NPAT):c.1198A>G (p.Lys400Glu)

Gene: NPAT (nuclear protein, coactivator of histone transcription; minus strand). Cytogenetic location: 11q22.3.
Variant type: single nucleotide variant.
Coding change: c.1198A>G on transcript NM_002519.3 (MANE Select); coding-DNA position 1198, A replaced by G.
Protein change: p.Lys400Glu; replaces lysine 400 with glutamic acid.
Molecular consequence: missense variant.
Genome position (GRCh38, 1-based): chr11:108,173,786, T>C on the plus strand (A>G on the coding strand, the complement: NPAT is on the minus strand). VCF-style: chr11-108173786-T-C. GRCh37 (hg19) VCF-style: chr11-108044513-T-C.
Other names: c.1198A>G, p.Lys400Glu (NM_001321307.1); short protein forms K400E.
Identifiers: ClinVar variation 1746492 (VCV001746492.2), dbSNP rs2496722207, ClinGen allele CA382516053.

ClinVar aggregate classification (germline): Uncertain significance (1 of 4 stars; one submission).

gnomAD v4.1: 9 of 1,614,184 alleles (0.00056%); highest among the groups gnomAD compares: South Asian, 0.0066%; no homozygotes.

Submission:

Ambry Genetics
Classification: Uncertain significance. Last evaluated: 2021-12-29. Review status: criteria provided, single submitter. Criteria: Ambry Variant Classification Scheme 2023. Collection method: clinical testing. Allele origin: germline.
Comment: The p.K400E variant (also known as c.1198A>G), located in coding exon 13 of the NPAT gene, results from an A to G substitution at nucleotide position 1198. The lysine at codon 400 is replaced by glutamic acid, an amino acid with similar properties. This amino acid position is conserved. In addition, this alteration is predicted to be tolerated by in silico analysis. Since supporting evidence is limited at this time, the clinical significance of this alteration remains unclear.